The following is an entry in ClinVar:

ClinVar aggregate classification (germline): Uncertain significance (1 of 4 stars; one submission).

Conditions:
Idiopathic generalized epilepsy. Also called: Generalised epilepsy; EIG. Identifiers: MedGen C0270850, MONDO:0005579, OMIM 600669.
Hyperaldosteronism, familial, type IV (HALD4). Also called: FH IV; ALDOSTERONISM, PRIMARY, AND HYPERTENSION. Identifiers: Orphanet 642671, MedGen C4310756, MONDO:0014875, OMIM 617027.

Submission:

Labcorp Genetics (formerly Invitae), Labcorp
Classification: Uncertain significance for Idiopathic generalized epilepsy; Hyperaldosteronism, familial, type IV. Last evaluated: 2024-07-19. Review status: criteria provided, single submitter. Criteria: Invitae Variant Classification Sherloc (09022015). Collection method: clinical testing. Allele origin: germline.
Comment: This sequence change replaces arginine, which is basic and polar, with glycine, which is neutral and non-polar, at codon 788 of the CACNA1H protein (p.Arg788Gly). This variant is not present in population databases (gnomAD no frequency). This variant has not been reported in the literature in individuals affected with CACNA1H-related conditions. ClinVar contains an entry for this variant (Variation ID: 1463305). Advanced modeling of protein sequence and biophysical properties (such as structural, functional, and spatial information, amino acid conservation, physicochemical variation, residue mobility, and thermodynamic stability) performed at Invitae indicates that this missense variant is not expected to disrupt CACNA1H protein function with a negative predictive value of 80%. In summary, the available evidence is currently insufficient to determine the role of this variant in disease. Therefore, it has been classified as a Variant of Uncertain Significance.

NM_021098.3(CACNA1H):c.2362C>G (p.Arg788Gly)

Gene: CACNA1H (calcium voltage-gated channel subunit alpha1 H; plus strand). Cytogenetic location: 16p13.3.
Variant type: single nucleotide variant.
Coding change: c.2362C>G on transcript NM_021098.3 (MANE Select); coding-DNA position 2362, C replaced by G.
Protein change: p.Arg788Gly; replaces arginine 788 with glycine.
Molecular consequence: missense variant.
Genome position (GRCh38, 1-based): chr16:1,204,369, C>G. VCF-style: chr16-1204369-C-G. GRCh37 (hg19) VCF-style: chr16-1254369-C-G.
Other names: c.2362C>G, p.Arg788Gly (NM_001005407.2); short protein forms R788G.
Identifiers: ClinVar variation 1463305 (VCV001463305.8), dbSNP rs3751664, ClinGen allele CA394166362.